The following is an entry in ClinVar:

ClinVar aggregate classification (germline): Uncertain significance (1 of 4 stars; one submission).

Conditions:
Inborn genetic diseases. Identifiers: MedGen C0950123, MeSH D030342.

Submission:

Ambry Genetics
Classification: Uncertain significance for Inborn genetic diseases. Last evaluated: 2025-02-24. Review status: criteria provided, single submitter. Criteria: Ambry Variant Classification Scheme 2023. Collection method: clinical testing. Allele origin: germline.
Comment: The p.P561R variant (also known as c.1682C>G), located in coding exon 8 of the MECOM gene, results from a C to G substitution at nucleotide position 1682. The proline at codon 561 is replaced by arginine, an amino acid with dissimilar properties. This amino acid position is conserved. In addition, this alteration is predicted to be tolerated by in silico analysis. Based on the available evidence, the clinical significance of this variant remains unclear.

NM_004991.4(MECOM):c.1682C>G (p.Pro561Arg)

Gene: MECOM (MDS1 and EVI1 complex locus; minus strand). Cytogenetic location: 3q26.2.
Variant type: single nucleotide variant.
Coding change: c.1682C>G on transcript NM_004991.4 (MANE Select); coding-DNA position 1682, C replaced by G.
Protein change: p.Pro561Arg; replaces proline 561 with arginine.
Molecular consequence: missense variant. On other transcripts: intron variant (2).
Genome position (GRCh38, 1-based): chr3:169,116,190, G>C on the plus strand (C>G on the coding strand, the complement: MECOM is on the minus strand). VCF-style: chr3-169116190-G-C. GRCh37 (hg19) VCF-style: chr3-168833978-G-C.
Other names: c.1313C>G, p.Pro438Arg (NM_001105077.4); c.1118C>G, p.Pro373Arg (NM_001105078.4, NM_001164000.2, NM_001205194.2 and 4 more transcripts); c.1121C>G, p.Pro374Arg (NM_001163999.2, NM_001366467.2, NM_001366468.2 and 1 more transcripts); c.1682C>G, p.Pro561Arg (NM_001366466.2); c.1133-423C>G (NM_001366473.2); c.569-423C>G (NM_001366474.2); short protein forms P561R, P438R, P373R, P374R.
Identifiers: ClinVar variation 3871851 (VCV003871851.1).
Genomic context (GRCh38, chr3:169,116,190, plus strand): 5'-TCACTACTCTCTGACTGGTCACTGATTTTCTCAAAGGGCCTCTCTTCAGAGGACCTCTCG[G>C]GCTGGAGCTCCACTGGCTTATTGTCCCCTACAGATGGGTGTTTAGATAGTGCCTTCAAAA-3'
Protein context (NP_004982.2, residues 551-571): VGDNKPVELQ[Pro561Arg]ERSSEERPFE